The following is an entry in ClinVar:

ClinVar aggregate classification (germline): Conflicting classifications of pathogenicity. Review status: criteria provided, conflicting classifications (1 of 4 stars). 4 submissions from 4 submitters: Uncertain significance (2); Likely benign (2). Last evaluated 2026-01-25.

Conditions:
Primary ciliary dyskinesia 19. Also called: CILIARY DYSKINESIA, PRIMARY, 19, WITH OR WITHOUT SITUS INVERSUS. Identifiers: Orphanet 244, MedGen C3543826, MONDO:0013979, OMIM 614935.
Primary ciliary dyskinesia. Also called: Ciliary dyskinesia. Identifiers: Orphanet 244, MedGen C0008780, MONDO:0016575, HP:0012265.

Allele frequency attached by ClinVar (database versions not stated): gnomAD exomes 0.00006 and 0.00019; ExAC 0.00021; gnomAD 0.00074 and 0.00081; TOPMed 0.00076; ESP Exome Variant Server 0.00092; 1000 Genomes Project 0.00100; 1000 Genomes Project 30x 0.00109.
gnomAD v4.1: 205 of 1,613,558 alleles (0.013%); highest among the groups gnomAD compares: African/African-American, 0.24%; no homozygotes.

Submissions (4):

Labcorp Genetics (formerly Invitae), Labcorp
Classification: Likely benign for Primary ciliary dyskinesia 19. Last evaluated: 2026-01-25. Review status: criteria provided, single submitter. Criteria: Invitae Variant Classification Sherloc (09022015). Collection method: clinical testing. Allele origin: germline.

Ambry Genetics
Classification: Likely benign for Primary ciliary dyskinesia. Last evaluated: 2022-09-29. Review status: criteria provided, single submitter. Criteria: Ambry Variant Classification Scheme 2023. Collection method: clinical testing. Allele origin: germline.

GeneDx
Classification: Uncertain significance. Last evaluated: 2022-07-01. Review status: criteria provided, single submitter. Criteria: GeneDx Variant Classification Process June 2021. Collection method: clinical testing. Allele origin: germline. Affected: yes.
Comment: In silico analysis supports that this missense variant does not alter protein structure/function; Has not been previously published as pathogenic or benign to our knowledge

Illumina Laboratory Services, Illumina
Classification: Uncertain significance for Primary ciliary dyskinesia 19. Last evaluated: 2018-01-13. Review status: criteria provided, single submitter. Criteria: ICSL Variant Classification Criteria 13 December 2019. Collection method: clinical testing. Allele origin: germline.

NM_012472.6(DNAAF11):c.719T>C (p.Leu240Ser)

Gene: DNAAF11 (dynein axonemal assembly factor 11; minus strand). Cytogenetic location: 8q24.22.
Variant type: single nucleotide variant.
Coding change: c.719T>C on transcript NM_012472.6 (MANE Select); coding-DNA position 719, T replaced by C.
Protein change: p.Leu240Ser; replaces leucine 240 with serine.
Molecular consequence: missense variant. On other transcripts: non-coding transcript variant (10).
Genome position (GRCh38, 1-based): chr8:132,625,389, A>G on the plus strand (T>C on the coding strand, the complement: DNAAF11 is on the minus strand). VCF-style: chr8-132625389-A-G. GRCh37 (hg19) VCF-style: chr8-133637635-A-G.
Other names: c.719T>C, p.Leu240Ser (NM_001321961.2); c.473T>C, p.Leu158Ser (NM_001321962.2); c.359T>C, p.Leu120Ser (NM_001321963.2, NM_001321964.2, NM_001321965.2 and 1 more transcripts); short protein forms L120S, L240S, L158S.
Identifiers: ClinVar variation 911926 (VCV000911926.17), dbSNP rs147849568, ClinGen allele CA4881316.
Genomic context (GRCh38, chr8:132,625,389, plus strand): 5'-GATTCAGGAGTAAACAAACAGGGCTTATTCCAGAATTCCAAGTCATCTTCACTGTTGTCT[A>G]ATTTCTTTGTGTTGTGTTCCTCTGTGTCTGGTGCCTGTAGGTGGTCTTTGCTCTCTAAAG-3'
Protein context (NP_036604.2, residues 230-250): PDTEEHNTKK[Leu240Ser]DNSEDDLEFW